The following is an entry in ClinVar:

NM_001206927.2(DNAH8):c.10624G>T (p.Val3542Leu)

Genes: DNAH8 (dynein axonemal heavy chain 8; plus strand), DNAH8-AS1 (DNAH8 antisense RNA 1; minus strand). Cytogenetic location: 6p21.2.
Variant type: single nucleotide variant.
Coding change: c.10624G>T on transcript NM_001206927.2 (MANE Select); coding-DNA position 10624, G replaced by T.
Protein change: p.Val3542Leu; replaces valine 3542 with leucine.
Molecular consequence: missense variant.
Genome position (GRCh38, 1-based): chr6:38,921,468, G>T. VCF-style: chr6-38921468-G-T. GRCh37 (hg19) VCF-style: chr6-38889244-G-T.
Other names: c.9973G>T, p.Val3325Leu (NM_001371.4); short protein forms V3325L, V3542L.
Identifiers: ClinVar variation 2149800 (VCV002149800.2), dbSNP rs1316338331, ClinGen allele CA364010874.

ClinVar aggregate classification (germline): Uncertain significance (1 of 4 stars; one submission).

Conditions:
Primary ciliary dyskinesia. Also called: Ciliary dyskinesia. Identifiers: Orphanet 244, MedGen C0008780, MONDO:0016575, HP:0012265.

Submission:

Labcorp Genetics (formerly Invitae), Labcorp
Classification: Uncertain significance for Primary ciliary dyskinesia. Last evaluated: 2022-11-01. Review status: criteria provided, single submitter. Criteria: Invitae Variant Classification Sherloc (09022015). Collection method: clinical testing. Allele origin: germline.
Comment: In summary, the available evidence is currently insufficient to determine the role of this variant in disease. Therefore, it has been classified as a Variant of Uncertain Significance. Algorithms developed to predict the effect of missense changes on protein structure and function are either unavailable or do not agree on the potential impact of this missense change (SIFT: "Deleterious"; PolyPhen-2: "Not Available"; Align-GVGD: "Class C25"). This variant has not been reported in the literature in individuals affected with DNAH8-related conditions. This variant is not present in population databases (gnomAD no frequency). This sequence change replaces valine, which is neutral and non-polar, with leucine, which is neutral and non-polar, at codon 3542 of the DNAH8 protein (p.Val3542Leu).